The following is an entry in ClinVar:

ClinVar aggregate classification (germline): Uncertain significance (1 of 4 stars; one submission).

Conditions:
Hereditary diffuse gastric adenocarcinoma (HDGC). Also called: DIFFUSE GASTRIC AND LOBULAR BREAST CANCER SYNDROME. Identifiers: Orphanet 26106, MedGen C1708349, MONDO:0007648, OMIM 137215.

Submission:

Labcorp Genetics (formerly Invitae), Labcorp
Classification: Uncertain significance for Hereditary diffuse gastric adenocarcinoma. Last evaluated: 2020-04-24. Review status: criteria provided, single submitter. Criteria: Invitae Variant Classification Sherloc (09022015). Collection method: clinical testing. Allele origin: germline.
Comment: This sequence change replaces lysine with isoleucine at codon 816 of the CDH1 protein (p.Lys816Ile). The lysine residue is highly conserved and there is a moderate physicochemical difference between lysine and isoleucine. This variant is not present in population databases (ExAC no frequency). This variant has not been reported in the literature in individuals with CDH1-related conditions. Algorithms developed to predict the effect of missense changes on protein structure and function are either unavailable or do not agree on the potential impact of this missense change (SIFT: "Deleterious"; PolyPhen-2: "Probably Damaging"; Align-GVGD: "Class C0"). In summary, the available evidence is currently insufficient to determine the role of this variant in disease. Therefore, it has been classified as a Variant of Uncertain Significance.

NM_004360.5(CDH1):c.2447A>T (p.Lys816Ile)

Gene: CDH1 (cadherin 1; plus strand). Cytogenetic location: 16q22.1.
Variant type: single nucleotide variant.
Coding change: c.2447A>T on transcript NM_004360.5 (MANE Select); coding-DNA position 2447, A replaced by T.
Protein change: p.Lys816Ile; replaces lysine 816 with isoleucine.
Molecular consequence: missense variant.
Genome position (GRCh38, 1-based): chr16:68,833,297, A>T. VCF-style: chr16-68833297-A-T. GRCh37 (hg19) VCF-style: chr16-68867200-A-T.
Other names: c.2264A>T, p.Lys755Ile (NM_001317184.2); c.899A>T, p.Lys300Ile (NM_001317185.2); c.482A>T, p.Lys161Ile (NM_001317186.2); short protein forms K300I, K755I, K161I, K816I.
Identifiers: ClinVar variation 1034578 (VCV001034578.9), dbSNP rs1961532809, ClinGen allele CA396471965.
Genomic context (GRCh38, chr16:68,833,297, plus strand): 5'-GACAGGTGTGCCCTTCCTTTCACTAAAAGATGCTTTTGTCCCTTCTTCTTTAGAATCTGA[A>T]AGCGGCTGATACTGACCCCACAGCCCCGCCTTATGATTCTCTGCTCGTGTTTGACTATGA-3'
Protein context (NP_004351.1, residues 806-826): EIGNFIDENL[Lys816Ile]AADTDPTAPP